The following is an entry in ClinVar:

ClinVar aggregate classification (germline): Likely benign (1 of 4 stars; one submission).

gnomAD v4.1: 170 of 1,614,146 alleles (0.011%); highest among the groups gnomAD compares: African/African-American, 0.099%; 1 homozygote.

Submission:

CeGaT Center for Human Genetics Tuebingen
Classification: Likely benign. Last evaluated: 2025-06-01. Review status: criteria provided, single submitter. Criteria: CeGaT Center For Human Genetics Tuebingen Variant Classification Criteria Version 2. Collection method: clinical testing. Allele origin: germline. Affected: yes. Observed: 1 variant allele.
Comment: HK2: BP4, BP7

NM_000189.5(HK2):c.1710C>T (p.Thr570=)

Gene: HK2 (hexokinase 2; plus strand). Cytogenetic location: 2p12.
Variant type: single nucleotide variant.
Coding change: c.1710C>T on transcript NM_000189.5 (MANE Select); coding-DNA position 1710, C replaced by T.
Protein change: p.Thr570=; no amino-acid change (threonine 570 retained).
Molecular consequence: synonymous variant.
Genome position (GRCh38, 1-based): chr2:74,881,850, C>T. VCF-style: chr2-74881850-C-T. GRCh37 (hg19) VCF-style: chr2-75108977-C-T.
Other names: c.1626C>T, p.Thr542= (NM_001371525.2).
Identifiers: ClinVar variation 4084219 (VCV004084219.8).